The following is an entry in ClinVar:

NM_000240.4(MAOA):c.1154A>T (p.Glu385Val)

Gene: MAOA (monoamine oxidase A; plus strand). Cytogenetic location: Xp11.3.
Variant type: single nucleotide variant.
Coding change: c.1154A>T on transcript NM_000240.4 (MANE Select); coding-DNA position 1154, A replaced by T.
Protein change: p.Glu385Val; replaces glutamic acid 385 with valine.
Molecular consequence: missense variant.
Genome position (GRCh38, 1-based): chrX:43,740,728, A>T. VCF-style: chrX-43740728-A-T. GRCh37 (hg19) VCF-style: chrX-43599975-A-T.
Other names: c.755A>T, p.Glu252Val (NM_001270458.2); short protein forms E385V, E252V.
Identifiers: ClinVar variation 5007562 (VCV005007562.2).

ClinVar aggregate classification (germline): Uncertain significance (1 of 4 stars; one submission).

Conditions:
Brunner syndrome (BRNRS). Identifiers: Orphanet 3057, MedGen C0796275, MONDO:0010379, OMIM 300615.

Submission:

Juno Genomics, Hangzhou Juno Genomics, Inc
Classification: Uncertain significance for Brunner syndrome. Review status: criteria provided, single submitter. Criteria: ACMG Guidelines, 2015. Collection method: clinical testing. Allele origin: germline.
Comment: Absent from controls (or at extremely low frequency if recessive) in Genome Aggregation Database.;Multiple lines of computational evidence support a deleterious effect on the gene or gene product.